The following is an entry in ClinVar:

NM_000516.7(GNAS):c.432C>T (p.Pro144=)

Gene: GNAS (GNAS complex locus; plus strand). Cytogenetic location: 20q13.32.
Variant type: single nucleotide variant.
Coding change: c.432C>T on transcript NM_000516.7 (MANE Select); coding-DNA position 432, C replaced by T.
Protein change: p.Pro144=; no amino-acid change (proline 144 retained).
Molecular consequence: synonymous variant. On other transcripts: 3 prime UTR variant (2).
Genome position (GRCh38, 1-based): chr20:58,903,791, C>T. VCF-style: chr20-58903791-C-T. GRCh37 (hg19) VCF-style: chr20-57478846-C-T.
Other names: c.435C>T, p.Pro145= (NM_001077488.5); c.387C>T, p.Pro129= (NM_001077489.4); c.*293C>T (NM_001077490.3); c.255C>T, p.Pro85= (NM_001309840.2, NM_001309861.2); c.*338C>T (NM_016592.5); c.2361C>T, p.Pro787= (NM_080425.4); c.390C>T, p.Pro130= (NM_080426.4).
Identifiers: ClinVar variation 134475 (VCV000134475.17), dbSNP rs11554266, ClinGen allele CA159926.

ClinVar aggregate classification (germline): Benign/Likely benign. Review status: criteria provided, multiple submitters, no conflicts (2 of 4 stars). 8 submissions from 8 submitters: Benign (3); Likely benign (2). 3 of the submissions do not count toward it. Last evaluated 2026-02-01.

Conditions:
Pseudohypoparathyroidism type 1C (PHP1C). Also called: Pseudohypoparathyroidism Ic (PHP-Ic); PHP IC; PSEUDOHYPOPARATHYROIDISM, TYPE IC. Identifiers: Orphanet 79444, MedGen C2932716, MONDO:0012911, OMIM 612462.
Progressive osseous heteroplasia (POH). Also called: Osteoma cutis; Progressive Osseus Heteroplasia (POH); ECTOPIC OSSIFICATION, FAMILIAL; Osseus Heteroplasia, Progressive. Identifiers: Orphanet 2762, MedGen C0334041, MONDO:0008153, OMIM 166350, HP:0025027.
Pituitary adenoma 3, multiple types. Also called: PITUITARY ADENOMA 3, ACTH-SECRETING, SOMATIC; PITUITARY ADENOMA 3, GROWTH HORMONE-SECRETING, SOMATIC. Identifiers: MedGen C4540135, MONDO:0054665, OMIM 617686.
McCune-Albright syndrome (MAS). Also called: Albright's Syndrome; Albright's disease; Fibrous Dysplasia / McCune-Albright Syndrome; ALBRIGHT SYNDROME; McCune-Albright syndrome, somatic, mosaic. Identifiers: Orphanet 562, MedGen C0242292, MONDO:0018919, OMIM 174800.
Pseudohypoparathyroidism type 1B (PHP1B). Also called: Pseudohypoparathyroidism Ib (PHP-Ib); PHP IB; Pseudohypoparathyroidism Type IB. Identifiers: Orphanet 94089, MedGen C1864100, MONDO:0011301, OMIM 603233.
Pseudopseudohypoparathyroidism (PPHP). Also called: Pseudopseudohypoparathyroidism (PPHP); ALBRIGHT HEREDITARY OSTEODYSTROPHY WITHOUT MULTIPLE HORMONE RESISTANCE. Identifiers: Orphanet 79445, MedGen C0033835, MONDO:0012912, OMIM 612463.
ACTH-independent macronodular adrenal hyperplasia 1 (AIMAH1). Also called: CORTICOTROPIN-INDEPENDENT MACRONODULAR ADRENAL HYPERPLASIA; ACTH-INDEPENDENT MACRONODULAR ADRENOCORTICAL HYPERPLASIA; ACTH-independent macronodular adrenal hyperplasia, somatic; ADRENOCORTICOTROPIC HORMONE-INDEPENDENT MACRONODULAR ADRENAL HYPERPLASIA; CUSHING SYNDROME, ADRENAL, DUE TO AIMAH. Identifiers: MedGen C1857451, MONDO:0020735, OMIM 219080.
Pseudohypoparathyroidism type I A (PHP1A). Also called: Pseudohypoparathyroidism type 1A; Pseudohypoparathyroidism Ia (PHP-Ia); ALBRIGHT HEREDITARY OSTEODYSTROPHY WITH MULTIPLE HORMONE RESISTANCE; PHP IA; Pseudohypoparathyroidism Type IA. Identifiers: Orphanet 79443, MedGen C3494506, MONDO:0007078, OMIM 103580.

Allele frequency attached by ClinVar (database versions not stated): ESP Exome Variant Server 0.00838; TOPMed 0.00862; 1000 Genomes Project 0.01198; 1000 Genomes Project 30x 0.01296.
gnomAD v4.1: 2,508 of 1,614,008 alleles (0.16%); highest among the groups gnomAD compares: African/African-American, 2.7%; 27 homozygotes.

Submissions (8):

Labcorp Genetics (formerly Invitae), Labcorp
Classification: Benign. Last evaluated: 2026-02-01. Review status: criteria provided, single submitter. Criteria: Invitae Variant Classification Sherloc (09022015). Collection method: clinical testing. Allele origin: germline.

Blueprint Genetics
Classification: Likely benign. Last evaluated: 2024-11-27. Review status: criteria provided, single submitter. Criteria: ACMG Guidelines, 2015. Collection method: clinical testing. Allele origin: germline.

Fulgent Genetics
Classification: Likely benign for Pseudohypoparathyroidism type I A; Progressive osseous heteroplasia; McCune-Albright syndrome; ACTH-independent macronodular adrenal hyperplasia 1; Pseudohypoparathyroidism type 1B; Pseudohypoparathyroidism type 1C; Pseudopseudohypoparathyroidism; Pituitary adenoma 3, multiple types. Last evaluated: 2021-11-08. Review status: criteria provided, single submitter. Criteria: ACMG Guidelines, 2015. Collection method: clinical testing. Allele origin: unknown.

GeneDx
Classification: Benign. Last evaluated: 2021-06-11. Review status: criteria provided, single submitter. Criteria: GeneDx Variant Classification Process June 2021. Collection method: clinical testing. Allele origin: germline. Affected: yes.

Breakthrough Genomics
Classification: Benign. Review status: criteria provided, single submitter. Criteria: ACMG Guidelines, 2015. Collection method: not provided. Allele origin: germline. Inheritance: Autosomal dominant inheritance. Affected: yes.

ITMI
No classification provided. Condition: AllHighlyPenetrant. Last evaluated: 2013-09-19. Review status: no classification provided. Collection method: reference population. Allele origin: germline. Not counted in ClinVar's aggregate classification.
Comment: Please see associated publication for description of ethnicities

Genome Diagnostics Laboratory, University Medical Center Utrecht
Classification: Benign. Review status: no assertion criteria provided. Collection method: clinical testing. Allele origin: germline. Affected: yes. Study: VKGL Data-share Consensus. Not counted in ClinVar's aggregate classification.

Laboratory of Diagnostic Genome Analysis, Leiden University Medical Center (LUMC)
Classification: Likely benign. Review status: no assertion criteria provided. Collection method: clinical testing. Allele origin: germline. Affected: yes. Study: VKGL Data-share Consensus. Not counted in ClinVar's aggregate classification.

Literature cited by the submitters: PubMed 24728327 (cited by ITMI).